The following is an entry in ClinVar:

NM_000217.3(KCNA1):c.1009G>A (p.Val337Ile)

Gene: KCNA1 (potassium voltage-gated channel subfamily A member 1; plus strand). Cytogenetic location: 12p13.32.
Variant type: single nucleotide variant.
Coding change: c.1009G>A on transcript NM_000217.3 (MANE Select); coding-DNA position 1009, G replaced by A.
Protein change: p.Val337Ile; replaces valine 337 with isoleucine.
Molecular consequence: missense variant.
Genome position (GRCh38, 1-based): chr12:4,912,387, G>A. VCF-style: chr12-4912387-G-A. GRCh37 (hg19) VCF-style: chr12-5021553-G-A.
Other names: short protein forms V337I.
Identifiers: ClinVar variation 2132098 (VCV002132098.4), dbSNP rs2497353602, ClinGen allele CA383455831.

ClinVar aggregate classification (germline): Uncertain significance (1 of 4 stars; one submission).

Conditions:
Episodic ataxia type 1 (EA1). Also called: ATAXIA, EPISODIC, WITH MYOKYMIA; Episodic ataxia/myokymia syndrome; MYOKYMIA WITH PERIODIC ATAXIA; PAROXYSMAL ATAXIA WITH NEUROMYOTONIA, HEREDITARY. Identifiers: Orphanet 37612, Orphanet 972, MedGen C1719788, MONDO:0008047, OMIM 160120.

Submission:

Labcorp Genetics (formerly Invitae), Labcorp
Classification: Uncertain significance for Episodic ataxia type 1. Last evaluated: 2022-05-03. Review status: criteria provided, single submitter. Criteria: Invitae Variant Classification Sherloc (09022015). Collection method: clinical testing. Allele origin: germline.
Comment: In summary, the available evidence is currently insufficient to determine the role of this variant in disease. Therefore, it has been classified as a Variant of Uncertain Significance. Advanced modeling of protein sequence and biophysical properties (such as structural, functional, and spatial information, amino acid conservation, physicochemical variation, residue mobility, and thermodynamic stability) performed at Invitae indicates that this missense variant is expected to disrupt KCNA1 protein function. This variant has not been reported in the literature in individuals affected with KCNA1-related conditions. This variant is not present in population databases (gnomAD no frequency). This sequence change replaces valine, which is neutral and non-polar, with isoleucine, which is neutral and non-polar, at codon 337 of the KCNA1 protein (p.Val337Ile).